The following is an entry in ClinVar:

NM_004525.3(LRP2):c.11785A>G (p.Thr3929Ala)

Gene: LRP2 (LDL receptor related protein 2; minus strand). Cytogenetic location: 2q31.1.
Variant type: single nucleotide variant.
Coding change: c.11785A>G on transcript NM_004525.3 (MANE Select); coding-DNA position 11785, A replaced by G.
Protein change: p.Thr3929Ala; replaces threonine 3929 with alanine.
Molecular consequence: missense variant.
Genome position (GRCh38, 1-based): chr2:169,162,574, T>C on the plus strand (A>G on the coding strand, the complement: LRP2 is on the minus strand). VCF-style: chr2-169162574-T-C. GRCh37 (hg19) VCF-style: chr2-170019084-T-C.
Other names: short protein forms T3929A.
Identifiers: ClinVar variation 4737541 (VCV004737541.1).

ClinVar aggregate classification (germline): Uncertain significance (1 of 4 stars; one submission).

gnomAD v4.1: 1 of 1,614,082 alleles (0.000062%); highest among the groups gnomAD compares: Non-Finnish European, 0.000085%; no homozygotes.

Submission:

Labcorp Genetics (formerly Invitae), Labcorp
Classification: Uncertain significance. Last evaluated: 2025-09-22. Review status: criteria provided, single submitter. Criteria: Invitae Variant Classification Sherloc (09022015). Collection method: clinical testing. Allele origin: germline.
Comment: This sequence change replaces threonine, which is neutral and polar, with alanine, which is neutral and non-polar, at codon 3929 of the LRP2 protein (p.Thr3929Ala). This variant is present in population databases (no rsID available, gnomAD 0.007%). This variant has not been reported in the literature in individuals affected with LRP2-related conditions. Invitae Evidence Modeling of protein sequence and biophysical properties (such as structural, functional, and spatial information, amino acid conservation, physicochemical variation, residue mobility, and thermodynamic stability) indicates that this missense variant is not expected to disrupt LRP2 protein function with a negative predictive value of 80%. In summary, the available evidence is currently insufficient to determine the role of this variant in disease. Therefore, it has been classified as a Variant of Uncertain Significance.